The following is an entry in ClinVar:

NM_001330.5(CTF1):c.190C>A (p.Pro64Thr)

Genes: CTF1 (cardiotrophin 1; plus strand), LOC130058878 (ATAC-STARR-seq lymphoblastoid silent region 7400; plus strand). Cytogenetic location: 16p11.2.
Variant type: single nucleotide variant.
Coding change: c.190C>A on transcript NM_001330.5 (MANE Select); coding-DNA position 190, C replaced by A.
Protein change: p.Pro64Thr; replaces proline 64 with threonine.
Molecular consequence: missense variant. On other transcripts: non-coding transcript variant (1).
Genome position (GRCh38, 1-based): chr16:30,902,123, C>A. VCF-style: chr16-30902123-C-A. GRCh37 (hg19) VCF-style: chr16-30913444-C-A.
Other names: c.187C>A, p.Pro63Thr (NM_001142544.3); short protein forms P64T, P63T.
Identifiers: ClinVar variation 3669477 (VCV003669477.2).

ClinVar aggregate classification (germline): Uncertain significance (1 of 4 stars; one submission).

Submission:

Labcorp Genetics (formerly Invitae), Labcorp
Classification: Uncertain significance. Last evaluated: 2025-07-29. Review status: criteria provided, single submitter. Criteria: Invitae Variant Classification Sherloc (09022015). Collection method: clinical testing. Allele origin: germline.
Comment: This sequence change replaces proline, which is neutral and non-polar, with threonine, which is neutral and polar, at codon 64 of the CTF1 protein (p.Pro64Thr). This variant is not present in population databases (gnomAD no frequency). This variant has not been reported in the literature in individuals affected with CTF1-related conditions. ClinVar contains an entry for this variant (Variation ID: 3669477). An algorithm developed to predict the effect of missense changes on protein structure and function (PolyPhen-2) suggests that this variant is likely to be disruptive. In summary, the available evidence is currently insufficient to determine the role of this variant in disease. Therefore, it has been classified as a Variant of Uncertain Significance.